The following is an entry in ClinVar:

ClinVar aggregate classification (germline): Uncertain significance. Review status: criteria provided, multiple submitters, no conflicts (2 of 4 stars). 4 submissions from 4 submitters: Uncertain significance (4). Last evaluated 2025-06-09.

Conditions:
Neuronopathy, distal hereditary motor, autosomal recessive 4. Also called: Autosomal recessive lower motor neuron disease with childhood onset; NEUROPATHY, DISTAL HEREDITARY MOTOR, AUTOSOMAL RECESSIVE 4. Identifiers: Orphanet 206580, MedGen C1970211, MONDO:0012608, OMIM 611067.
Charcot-Marie-Tooth disease recessive intermediate C. Also called: CHARCOT-MARIE-TOOTH NEUROPATHY, RECESSIVE INTERMEDIATE C. Identifiers: Orphanet 369867, MedGen C3809309, MONDO:0014154, OMIM 615376.
Inborn genetic diseases. Identifiers: MedGen C0950123, MeSH D030342.

Allele frequency attached by ClinVar (database versions not stated): gnomAD exomes 0.00005; ExAC 0.00002; TOPMed 0.00002; gnomAD 0.00003.
gnomAD v4.1: 33 of 1,611,890 alleles (0.002%); highest among the groups gnomAD compares: Non-Finnish European, 0.0015%; no homozygotes.

Submissions (4):

Ambry Genetics
Classification: Uncertain significance for Inborn genetic diseases. Last evaluated: 2025-06-09. Review status: criteria provided, single submitter. Criteria: Ambry Variant Classification Scheme 2023. Collection method: clinical testing. Allele origin: germline.

Labcorp Genetics (formerly Invitae), Labcorp
Classification: Uncertain significance for Neuronopathy, distal hereditary motor, autosomal recessive 4; Charcot-Marie-Tooth disease recessive intermediate C. Last evaluated: 2024-12-16. Review status: criteria provided, single submitter. Criteria: Invitae Variant Classification Sherloc (09022015). Collection method: clinical testing. Allele origin: germline.
Comment: This sequence change replaces glutamine, which is neutral and polar, with glutamic acid, which is acidic and polar, at codon 711 of the PLEKHG5 protein (p.Gln711Glu). The frequency data for this variant in the population databases is considered unreliable, as metrics indicate poor data quality at this position in the gnomAD database. This variant has not been reported in the literature in individuals affected with PLEKHG5-related conditions. ClinVar contains an entry for this variant (Variation ID: 493017). An algorithm developed to predict the effect of missense changes on protein structure and function outputs the following: PolyPhen-2: "Benign". The glutamic acid amino acid residue is found in multiple mammalian species, which suggests that this missense change does not adversely affect protein function. In summary, the available evidence is currently insufficient to determine the role of this variant in disease. Therefore, it has been classified as a Variant of Uncertain Significance.

GeneDx
Classification: Uncertain significance. Last evaluated: 2018-05-10. Review status: criteria provided, single submitter. Criteria: GeneDx Variant Classification (06012015). Collection method: clinical testing. Allele origin: germline. Affected: yes.
Comment: The Q711E variant has not been published as a pathogenic variant, nor has it been reported as a benign variant to our knowledge. The Q711E variant is not observed in large population cohorts (Lek et al., 2016). This variant is a semi-conservative amino acid substitution, which may impact secondary protein structure as these residues differ in some properties. However, in-silico analyses, including protein predictors and evolutionary conservation, support that this variant does not alter protein structure/function.

CeGaT Center for Human Genetics Tuebingen
Classification: Uncertain significance. Last evaluated: 2017-10-01. Review status: criteria provided, single submitter. Criteria: CeGaT Center For Human Genetics Tuebingen Variant Classification Criteria Version 2. Collection method: clinical testing. Allele origin: germline. Affected: yes. Observed: 1 variant allele.

NM_020631.6(PLEKHG5):c.2131C>G (p.Gln711Glu)

Gene: PLEKHG5 (pleckstrin homology and RhoGEF domain containing G5; minus strand). Cytogenetic location: 1p36.31.
Variant type: single nucleotide variant.
Coding change: c.2131C>G on transcript NM_020631.6 (MANE Select); coding-DNA position 2131, C replaced by G.
Protein change: p.Gln711Glu; replaces glutamine 711 with glutamic acid.
Molecular consequence: missense variant.
Genome position (GRCh38, 1-based): chr1:6,469,160, G>C on the plus strand (C>G on the coding strand, the complement: PLEKHG5 is on the minus strand). VCF-style: chr1-6469160-G-C. GRCh37 (hg19) VCF-style: chr1-6529220-G-C.
Other names: c.2242C>G, p.Gln748Glu (NM_001042663.3, NM_001265592.2); c.2131C>G, p.Gln711Glu (NM_001042664.2, NM_001042665.2, NM_001265594.3 and 1 more transcripts); c.2338C>G, p.Gln780Glu (NM_001265593.2); short protein forms Q711E, Q780E, Q748E.
Identifiers: ClinVar variation 493017 (VCV000493017.51), dbSNP rs761272621, ClinGen allele CA561246.